The following is an entry in ClinVar:

ClinVar aggregate classification (germline): Uncertain significance (1 of 4 stars; one submission).

Conditions:
Familial acute necrotizing encephalopathy (IIAE3). Also called: ENCEPHALOPATHY, ACUTE, INFECTION-INDUCED, SUSCEPTIBILITY TO, 3; Susceptibility to Acute Necrotizing Encephalopathy 1. Identifiers: Orphanet 88619, MedGen C2675556, MONDO:0011953, OMIM 608033.

Allele frequency attached by ClinVar (database versions not stated): gnomAD exomes below 0.00001.
gnomAD v4.1: 3 of 1,614,080 alleles (0.00019%); highest among the groups gnomAD compares: Non-Finnish European, 0.00025%; no homozygotes.

Submission:

Labcorp Genetics (formerly Invitae), Labcorp
Classification: Uncertain significance for Familial acute necrotizing encephalopathy. Last evaluated: 2025-09-08. Review status: criteria provided, single submitter. Criteria: Invitae Variant Classification Sherloc (09022015). Collection method: clinical testing. Allele origin: germline.
Comment: This sequence change replaces glycine, which is neutral and non-polar, with glutamic acid, which is acidic and polar, at codon 3013 of the RANBP2 protein (p.Gly3013Glu). This variant is not present in population databases (gnomAD no frequency). This variant has not been reported in the literature in individuals affected with RANBP2-related conditions. ClinVar contains an entry for this variant (Variation ID: 840974). An algorithm developed to predict the effect of missense changes on protein structure and function (PolyPhen-2) suggests that this variant is likely to be disruptive. In summary, the available evidence is currently insufficient to determine the role of this variant in disease. Therefore, it has been classified as a Variant of Uncertain Significance.

NM_006267.5(RANBP2):c.9038G>A (p.Gly3013Glu)

Gene: RANBP2 (RAN binding protein 2; plus strand). Cytogenetic location: 2q13.
Variant type: single nucleotide variant.
Coding change: c.9038G>A on transcript NM_006267.5 (MANE Select); coding-DNA position 9038, G replaced by A.
Protein change: p.Gly3013Glu; replaces glycine 3013 with glutamic acid.
Molecular consequence: missense variant.
Genome position (GRCh38, 1-based): chr2:108,782,531, G>A. VCF-style: chr2-108782531-G-A. GRCh37 (hg19) VCF-style: chr2-109398987-G-A.
Other names: short protein forms G3013E.
Identifiers: ClinVar variation 840974 (VCV000840974.10), dbSNP rs1678327966, ClinGen allele CA348085038.